The following is an entry in ClinVar:

NM_014795.4(ZEB2):c.2036T>G (p.Ile679Ser)

Gene: ZEB2 (zinc finger E-box binding homeobox 2; minus strand). Cytogenetic location: 2q22.3.
Variant type: single nucleotide variant.
Coding change: c.2036T>G on transcript NM_014795.4 (MANE Select); coding-DNA position 2036, T replaced by G.
Protein change: p.Ile679Ser; replaces isoleucine 679 with serine.
Molecular consequence: missense variant.
Genome position (GRCh38, 1-based): chr2:144,399,151, A>C on the plus strand (T>G on the coding strand, the complement: ZEB2 is on the minus strand). VCF-style: chr2-144399151-A-C. GRCh37 (hg19) VCF-style: chr2-145156718-A-C.
Other names: c.1964T>G, p.Ile655Ser (NM_001171653.2); short protein forms I655S, I679S.
Identifiers: ClinVar variation 1192967 (VCV001192967.2), dbSNP rs1290102590, ClinGen allele CA348709178.

ClinVar aggregate classification (germline): Likely benign (1 of 4 stars; one submission).

Submission:

GeneDx
Classification: Likely benign. Last evaluated: 2019-05-16. Review status: criteria provided, single submitter. Criteria: GeneDx Variant Classification Process June 2021. Collection method: clinical testing. Allele origin: germline. Affected: yes.
Comment: Not observed in large population cohorts (Lek et al., 2016); In silico analysis, which includes protein predictors and evolutionary conservation, supports that this variant does not alter protein structure/function; Has not been previously published as pathogenic or benign to our knowledge